The following is an entry in ClinVar:

NC_000002.11:g.(?_182521476)_(182521733_?)dup

Gene: CERKL (ceramide kinase like; minus strand). Cytogenetic location: 2q31.3.
Variant type: Duplication.
Identifiers: ClinVar variation 2423495 (VCV002423495.3).

ClinVar aggregate classification (germline): Uncertain significance (1 of 4 stars; one submission).

Submission:

Labcorp Genetics (formerly Invitae), Labcorp
Classification: Uncertain significance. Last evaluated: 2022-05-12. Review status: criteria provided, single submitter. Criteria: Invitae Variant Classification Sherloc (09022015). Collection method: clinical testing. Allele origin: germline.
Comment: This variant results in a copy number gain of the genomic region encompassing exon(s) 1 of the CERKL gene. This region includes the initiator codon of the gene. This copy number gain extends beyond the assayed region for this gene and therefore may encompass additional genes. As the precise location of this event is unknown, it may be in tandem or it may be located elsewhere in the genome. This variant has not been reported in the literature in individuals affected with CERKL-related conditions. In summary, the available evidence is currently insufficient to determine the role of this variant in disease. Therefore, it has been classified as a Variant of Uncertain Significance.